The following is an entry in ClinVar:

ClinVar aggregate classification (germline): Likely pathogenic (1 of 4 stars; one submission).

Allele frequency attached by ClinVar (database versions not stated): gnomAD 0.00001.

Submission:

GeneDx
Classification: Likely pathogenic. Last evaluated: 2018-03-02. Review status: criteria provided, single submitter. Criteria: GeneDx Variant Classification (06012015). Collection method: clinical testing. Allele origin: germline. Affected: yes.
Comment: The W382X variant in the MAGEL2 gene has not been reported previously as a pathogenic variant nor as a benign variant, to our knowledge. This variant is predicted to cause loss of normal protein function through protein truncation. The W382X variant is not observed in large population cohorts (Lek et al., 2016). We interpret W382X as a likely pathogenic variant.

NM_019066.5(MAGEL2):c.1146G>A (p.Trp382Ter)

Gene: MAGEL2 (MAGE family member L2; minus strand). Cytogenetic location: 15q11.2.
Variant type: single nucleotide variant.
Coding change: c.1146G>A on transcript NM_019066.5 (MANE Select); coding-DNA position 1146, G replaced by A.
Protein change: p.Trp382Ter; replaces tryptophan 382 with a stop codon.
Molecular consequence: nonsense.
Genome position (GRCh38, 1-based): chr15:23,646,597, C>T on the plus strand (G>A on the coding strand, the complement: MAGEL2 is on the minus strand). VCF-style: chr15-23646597-C-T. GRCh37 (hg19) VCF-style: chr15-23891744-C-T.
Other names: short protein forms W382*.
Identifiers: ClinVar variation 504459 (VCV000504459.2), dbSNP rs1555374335, ClinGen allele CA391335076.